The following is an entry in ClinVar:

NM_006416.5(SLC35A1):c.673G>A (p.Val225Ile)

Gene: SLC35A1 (solute carrier family 35 member A1; plus strand). Cytogenetic location: 6q15.
Variant type: single nucleotide variant.
Coding change: c.673G>A on transcript NM_006416.5 (MANE Select); coding-DNA position 673, G replaced by A.
Protein change: p.Val225Ile; replaces valine 225 with isoleucine.
Molecular consequence: missense variant. On other transcripts: intron variant (1).
Genome position (GRCh38, 1-based): chr6:87,508,518, G>A. VCF-style: chr6-87508518-G-A. GRCh37 (hg19) VCF-style: chr6-88218236-G-A.
Other names: c.575-523G>A (NM_001168398.2); short protein forms V225I.
Identifiers: ClinVar variation 2215269 (VCV002215269.3), dbSNP rs141689740, ClinGen allele CA3916027.

ClinVar aggregate classification (germline): Uncertain significance (1 of 4 stars; one submission).

Conditions:
Inborn genetic diseases. Identifiers: MedGen C0950123, MeSH D030342.

Allele frequency attached by ClinVar (database versions not stated): TOPMed 0.00005; ESP Exome Variant Server 0.00008; ExAC 0.00001; gnomAD 0.00003.
gnomAD v4.1: 31 of 1,612,640 alleles (0.0019%); highest among the groups gnomAD compares: African/African-American, 0.008%; no homozygotes.

Submission:

Ambry Genetics
Classification: Uncertain significance for Inborn genetic diseases. Last evaluated: 2026-02-04. Review status: criteria provided, single submitter. Criteria: Ambry Variant Classification Scheme 2023. Collection method: clinical testing. Allele origin: germline.
Comment: The c.673G>A (p.V225I) alteration is located in exon 6 (coding exon 6) of the SLC35A1 gene. This alteration results from a G to A substitution at nucleotide position 673, causing the valine (V) at amino acid position 225 to be replaced by an isoleucine (I). Based on data from gnomAD, the A allele has an overall frequency of 0.001% (4/282342) total alleles studied. The highest observed frequency was 0.006% (2/35396) of Latino alleles. Based on insufficient or conflicting evidence, the clinical significance of this alteration remains unclear.